The following is an entry in ClinVar:

ClinVar aggregate classification (germline): Uncertain significance (1 of 4 stars; one submission).

Submission:

Ambry Genetics
Classification: Uncertain significance. Last evaluated: 2024-09-04. Review status: criteria provided, single submitter. Criteria: Ambry Variant Classification Scheme 2023. Collection method: clinical testing. Allele origin: germline.
Comment: The p.D21V variant (also known as c.62A>T), located in coding exon 1 of the MYOM1 gene, results from an A to T substitution at nucleotide position 62. The aspartic acid at codon 21 is replaced by valine, an amino acid with highly dissimilar properties. This amino acid position is conserved. In addition, this alteration is predicted to be tolerated by in silico analysis. Based on the available evidence, the clinical significance of this variant remains unclear.

NM_003803.4(MYOM1):c.62A>T (p.Asp21Val)

Gene: MYOM1 (myomesin 1; minus strand). Cytogenetic location: 18p11.31.
Variant type: single nucleotide variant.
Coding change: c.62A>T on transcript NM_003803.4 (MANE Select); coding-DNA position 62, A replaced by T.
Protein change: p.Asp21Val; replaces aspartic acid 21 with valine.
Molecular consequence: missense variant.
Genome position (GRCh38, 1-based): chr18:3,215,162, T>A on the plus strand (A>T on the coding strand, the complement: MYOM1 is on the minus strand). VCF-style: chr18-3215162-T-A. GRCh37 (hg19) VCF-style: chr18-3215160-T-A.
Other names: c.62A>T, p.Asp21Val (NM_019856.2); short protein forms D21V.
Identifiers: ClinVar variation 3401850 (VCV003401850.1).